The following is an entry in ClinVar:

NM_000179.3(MSH6):c.566A>T (p.Lys189Met)

Gene: MSH6 (mutS homolog 6; plus strand). Cytogenetic location: 2p16.3.
Variant type: single nucleotide variant.
Coding change: c.566A>T on transcript NM_000179.3 (MANE Select); coding-DNA position 566, A replaced by T.
Protein change: p.Lys189Met; replaces lysine 189 with methionine.
Molecular consequence: missense variant. On other transcripts: 5 prime UTR variant (1), intron variant (2).
Genome position (GRCh38, 1-based): chr2:47,796,002, A>T. VCF-style: chr2-47796002-A-T. GRCh37 (hg19) VCF-style: chr2-48023141-A-T.
Other names: c.-337A>T (NM_001281494.2); c.-279-2609A>T (NM_001281493.2); c.238-2609A>T (NM_001281492.2); short protein forms K189M.
Identifiers: ClinVar variation 479869 (VCV000479869.19), dbSNP rs1060502889, ClinGen allele CA346738783.
Genomic context (GRCh38, chr2:47,796,002, plus strand): 5'-AGCCTGAAATACTGAGAGCAATGCAACGTGCAGATGAAGCCTTAAATAAAGACAAGATTA[A>T]GAGGCTTGAATTGGCAGTTTGTGATGAGCCCTCAGAGCCAGAAGAGGAAGAAGAGATGGA-3'
Protein context (NP_000170.1, residues 179-199): ADEALNKDKI[Lys189Met]RLELAVCDEP

ClinVar aggregate classification (germline): Conflicting classifications of pathogenicity. Review status: criteria provided, conflicting classifications (1 of 4 stars). 5 submissions from 5 submitters: Uncertain significance (4); Benign (1). Last evaluated 2025-07-03.

Conditions:
Hereditary nonpolyposis colorectal neoplasms. Identifiers: MedGen C0009405, MeSH D003123.
Endometrial carcinoma. Also called: Endometrial carcinoma, somatic. Identifiers: MedGen C0476089, MONDO:0002447, OMIM 608089, HP:0012114.
Hereditary cancer-predisposing syndrome. Also called: Hereditary Cancer Syndrome; Neoplastic Syndromes, Hereditary; Tumor predisposition; Hereditary neoplastic syndrome. Identifiers: Orphanet 140162, MedGen C0027672, MeSH D009386, MONDO:0015356.

Allele frequency attached by ClinVar (database versions not stated): gnomAD exomes below 0.00001; gnomAD 0.00001; TOPMed 0.00001.

Submissions (5):

Ambry Genetics
Classification: Uncertain significance for Hereditary cancer-predisposing syndrome. Last evaluated: 2025-07-03. Review status: criteria provided, single submitter. Criteria: Ambry Variant Classification Scheme 2023. Collection method: clinical testing. Allele origin: germline.
Comment: The p.K189M variant (also known as c.566A>T), located in coding exon 3 of the MSH6 gene, results from an A to T substitution at nucleotide position 566. The lysine at codon 189 is replaced by methionine, an amino acid with similar properties. This amino acid position is not well conserved in available vertebrate species. In addition, this alteration is predicted to be tolerated by in silico analysis. Since supporting evidence is limited at this time, the clinical significance of this alteration remains unclear.

GeneDx
Classification: Uncertain significance. Last evaluated: 2025-01-09. Review status: criteria provided, single submitter. Criteria: GeneDx Variant Classification Process June 2021. Collection method: clinical testing. Allele origin: germline. Affected: yes.
Comment: Not observed at significant frequency in large population cohorts (gnomAD); In silico analysis supports that this missense variant has a deleterious effect on protein structure/function; Has not been previously published as pathogenic or benign to our knowledge

Labcorp Genetics (formerly Invitae), Labcorp
Classification: Benign for Hereditary nonpolyposis colorectal neoplasms. Last evaluated: 2024-11-03. Review status: criteria provided, single submitter. Criteria: Invitae Variant Classification Sherloc (09022015). Collection method: clinical testing. Allele origin: germline.

Baylor Genetics
Classification: Uncertain significance for Endometrial carcinoma. Last evaluated: 2024-01-22. Review status: criteria provided, single submitter. Criteria: ACMG Guidelines, 2015. Collection method: clinical testing. Allele origin: unknown.

Women's Health and Genetics/Laboratory Corporation of America, LabCorp
Classification: Uncertain significance. Last evaluated: 2022-06-06. Review status: criteria provided, single submitter. Criteria: LabCorp Variant Classification Summary - May 2015. Collection method: clinical testing. Allele origin: germline.
Comment: Variant summary: MSH6 c.566A>T (p.Lys189Met) results in a non-conservative amino acid change in the encoded protein sequence. Three of five in-silico tools predict a damaging effect of the variant on protein function. The variant allele was found at a frequency of 4e-06 in 251438 control chromosomes. The available data on variant occurrences in the general population are insufficient to allow any conclusion about variant significance. To our knowledge, no occurrence of c.566A>T in individuals affected with Lynch Syndrome and no experimental evidence demonstrating its impact on protein function have been reported. Two clinical diagnostic laboratories have submitted clinical-significance assessments for this variant to ClinVar after 2014 and both classified the variant as uncertain significance. Based on the evidence outlined above, the variant was classified as uncertain significance.